The following is an entry in ClinVar:

NM_000359.3(TGM1):c.160C>T (p.Arg54Ter)

Gene: TGM1 (transglutaminase 1; minus strand). Cytogenetic location: 14q12.
Variant type: single nucleotide variant.
Coding change: c.160C>T on transcript NM_000359.3 (MANE Select); coding-DNA position 160, C replaced by T.
Protein change: p.Arg54Ter; replaces arginine 54 with a stop codon.
Molecular consequence: nonsense.
Genome position (GRCh38, 1-based): chr14:24,262,193, G>A on the plus strand (C>T on the coding strand, the complement: TGM1 is on the minus strand). VCF-style: chr14-24262193-G-A. GRCh37 (hg19) VCF-style: chr14-24731399-G-A.
Other names: short protein forms R54*.
Identifiers: ClinVar variation 554786 (VCV000554786.22), dbSNP rs140000324, ClinGen allele CA7131532.

ClinVar aggregate classification (germline): Pathogenic. Review status: criteria provided, multiple submitters, no conflicts (2 of 4 stars). 10 submissions from 10 submitters: Pathogenic (7). 3 of the submissions do not count toward it. Last evaluated 2025-08-08.

Conditions:
Autosomal recessive congenital ichthyosis 1 (LI1). Also called: ICHTHYOSIS CONGENITA; ICHTHYOSIS CONGENITA II; LAMELLAR EXFOLIATION OF NEWBORN; ICHTHYOSIS, CONGENITAL, AUTOSOMAL RECESSIVE 1, WITH BATHING SUIT DISTRIBUTION; ICHTHYOSIS, CONGENITAL, AUTOSOMAL RECESSIVE 1, WITH OR WITHOUT BATHING SUIT DISTRIBUTION; COLLODION FETUS. Identifiers: MedGen C4551630, MONDO:0009441, OMIM 242300.

Allele frequency attached by ClinVar (database versions not stated): TOPMed 0.00001; gnomAD exomes 0.00002; ExAC 0.00003; ESP Exome Variant Server 0.00008; 1000 Genomes Project 0.00040; 1000 Genomes Project 30x 0.00062.

Submissions (10):

Natera, Inc.
Classification: Pathogenic for Autosomal recessive congenital ichthyosis type 1. Last evaluated: 2025-08-08. Review status: criteria provided, single submitter. Criteria: Natera Variant Classification Schema (03/2026). Collection method: clinical testing. Allele origin: germline.
Comment: The c.160C>T variant in TGM1 is a nonsense variant predicted to introduce a stop codon at amino acid 54. This variant is expected to result in nonsense mediated decay, truncation, or a dysfunctional protein product. This variant is rare in the general population with a frequency below the threshold expected for the associated phenotype(s). This variant has been observed in one or more individuals affected with the associated recessive disease, as either homozygous or compound heterozygous with a second variant (PMID: 25766764). Given the available evidence, this variant is classified as Pathogenic.

3billion
Classification: Pathogenic for Autosomal recessive congenital ichthyosis 1. Last evaluated: 2025-06-09. Review status: criteria provided, single submitter. Criteria: ACMG Guidelines, 2015. Collection method: clinical testing. Allele origin: germline. Affected: yes.
Comment: The variant is observed at an extremely low frequency in the gnomAD v4.1.0 dataset (total allele frequency: 0.001%). Predicted Consequence/Location: Stop-gained (nonsense): predicted to result in a loss or disruption of normal protein function through nonsense-mediated decay (NMD) or protein truncation. Multiple pathogenic variants are reported downstream of the variant. The variant has been reported at least twice as pathogenic with clinical assertions and evidence for the classification (ClinVar ID: VCV000554786 /PMID: 19241467 /3billion dataset). Therefore, this variant is classified as Pathogenic according to the recommendation of ACMG/AMP guideline.

GeneDx
Classification: Pathogenic. Last evaluated: 2025-05-14. Review status: criteria provided, single submitter. Criteria: GeneDx Variant Classification Process June 2021. Collection method: clinical testing. Allele origin: germline.
Comment: Observed multiple times with a second variant in unrelated patients with lamellar ichthyosis or congenital ichthyosiform erythroderma in the published literature, but it is not known whether the variants occurred on the same (in cis) or on different (in trans) chromosomes in all cases (PMID: 27025581, 25766764, 31168818); Nonsense variant predicted to result in protein truncation or nonsense mediated decay in a gene for which loss of function is a known mechanism of disease; This variant is associated with the following publications: (PMID: 25766764, 23096117, 27025581, 19241467, 25281896, 36676727, 35698621, 31168818)

Dasa
Classification: Pathogenic. Last evaluated: 2025-04-29. Review status: criteria provided, single submitter. Criteria: DASA Assertion Criteria. Collection method: clinical testing. Allele origin: germline.
Comment: NM_000359.3(TGM1):c.160C>T (p.Arg54*) introduces a premature termination codon predicted to result in loss of normal protein function. Loss-of-function is an established mechanism of disease for this gene. This variant has been observed in affected individuals with related phenotype in a genotype context consistent with recessive disease (PMID: 19241467; PMID: 25766764). This variant has been recurrently observed in individuals with related phenotype (PMID: 19241467; PMID: 25766764). The variant is present at low frequency in population datasets. Based on the available data, this variant is classified as pathogenic.

Labcorp Genetics (formerly Invitae), Labcorp
Classification: Pathogenic. Last evaluated: 2023-12-16. Review status: criteria provided, single submitter. Criteria: Invitae Variant Classification Sherloc (09022015). Collection method: clinical testing. Allele origin: germline.
Comment: This sequence change creates a premature translational stop signal (p.Arg54*) in the TGM1 gene. It is expected to result in an absent or disrupted protein product. Loss-of-function variants in TGM1 are known to be pathogenic (PMID: 18948357, 19241467). The frequency data for this variant in the population databases is considered unreliable, as metrics indicate poor data quality at this position in the gnomAD database. This premature translational stop signal has been observed in individual(s) with TGM1-related conditions (PMID: 19241467, 25766764, 27025581, 31168818). ClinVar contains an entry for this variant (Variation ID: 554786). For these reasons, this variant has been classified as Pathogenic.

Neuberg Centre For Genomic Medicine, NCGM
Classification: Pathogenic for Autosomal recessive congenital ichthyosis 1. Last evaluated: 2023-02-14. Review status: criteria provided, single submitter. Criteria: ACMG Guidelines, 2015. Collection method: clinical testing. Allele origin: germline. Inheritance: Autosomal recessive inheritance. Affected: yes.

Genome-Nilou Lab
Classification: Pathogenic for Autosomal recessive congenital ichthyosis 1. Review status: criteria provided, single submitter. Criteria: ACMG Guidelines, 2015. Collection method: clinical testing. Allele origin: germline.

Counsyl
Classification: Pathogenic for Autosomal recessive congenital ichthyosis 1. Last evaluated: 2017-11-03. Review status: no assertion criteria provided. Collection method: clinical testing. Allele origin: unknown. Not counted in ClinVar's aggregate classification.

Genome Diagnostics Laboratory, Amsterdam University Medical Center
Classification: Pathogenic. Review status: no assertion criteria provided. Collection method: clinical testing. Allele origin: germline. Affected: yes. Study: VKGL Data-share Consensus. Not counted in ClinVar's aggregate classification.

Joint Genome Diagnostic Labs from Nijmegen and Maastricht, Radboudumc and MUMC+
Classification: Pathogenic. Review status: no assertion criteria provided. Collection method: clinical testing. Allele origin: germline. Affected: yes. Study: VKGL Data-share Consensus. Not counted in ClinVar's aggregate classification.

Literature cited by the submitters: PubMed 25766764 (cited by 4 submitters); PubMed 19241467 (cited by 4 submitters); PubMed 18948357 (cited by Labcorp Genetics (formerly Invitae), Labcorp); PubMed 27025581 (cited by Labcorp Genetics (formerly Invitae), Labcorp and Counsyl); PubMed 31168818 (cited by Labcorp Genetics (formerly Invitae), Labcorp); PubMed 23096117 (cited by Counsyl).